The following is an entry in ClinVar:

ClinVar aggregate classification (germline): Uncertain significance (1 of 4 stars; one submission).

Conditions:
Hereditary cancer-predisposing syndrome. Also called: Tumor predisposition; Hereditary Cancer Syndrome; Hereditary neoplastic syndrome; Neoplastic Syndromes, Hereditary. Identifiers: Orphanet 140162, MedGen C0027672, MeSH D009386, MONDO:0015356.

Allele frequency attached by ClinVar (database versions not stated): gnomAD exomes below 0.00001.
gnomAD v4.1: 1 of 1,613,398 alleles (0.000062%); highest among the groups gnomAD compares: Non-Finnish European, 0.000085%; no homozygotes.

Submission:

Ambry Genetics
Classification: Uncertain significance for Hereditary cancer-predisposing syndrome. Last evaluated: 2023-09-12. Review status: criteria provided, single submitter. Criteria: Ambry Variant Classification Scheme 2023. Collection method: clinical testing. Allele origin: germline.
Comment: The p.S22R variant (also known as c.64A>C), located in coding exon 2 of the XRCC2 gene, results from an A to C substitution at nucleotide position 64. The serine at codon 22 is replaced by arginine, an amino acid with dissimilar properties. This amino acid position is conserved. In addition, this alteration is predicted to be tolerated by in silico analysis. Since supporting evidence is limited at this time, the clinical significance of this alteration remains unclear.

NM_005431.2(XRCC2):c.64A>C (p.Ser22Arg)

Gene: XRCC2 (X-ray repair cross complementing 2; minus strand). Cytogenetic location: 7q36.1.
Variant type: single nucleotide variant.
Coding change: c.64A>C on transcript NM_005431.2 (MANE Select); coding-DNA position 64, A replaced by C.
Protein change: p.Ser22Arg; replaces serine 22 with arginine.
Molecular consequence: missense variant.
Genome position (GRCh38, 1-based): chr7:152,660,758, T>G on the plus strand (A>C on the coding strand, the complement: XRCC2 is on the minus strand). VCF-style: chr7-152660758-T-G. GRCh37 (hg19) VCF-style: chr7-152357843-T-G.
Other names: short protein forms S22R.
Identifiers: ClinVar variation 2625111 (VCV002625111.2), dbSNP rs2485896891, ClinGen allele CA370199516.